The following is an entry in ClinVar:

NM_000346.4(SOX9):c.1353C>A (p.Tyr451Ter)

Gene: SOX9 (SRY-box transcription factor 9; plus strand). Cytogenetic location: 17q24.3.
Variant type: single nucleotide variant.
Coding change: c.1353C>A on transcript NM_000346.4 (MANE Select); coding-DNA position 1353, C replaced by A.
Protein change: p.Tyr451Ter; replaces tyrosine 451 with a stop codon.
Molecular consequence: nonsense.
Genome position (GRCh38, 1-based): chr17:72,124,210, C>A. VCF-style: chr17-72124210-C-A. GRCh37 (hg19) VCF-style: chr17-70120351-C-A.
Other names: short protein forms Y451*.
Identifiers: ClinVar variation 1391564 (VCV001391564.6), dbSNP rs2143257122, ClinGen allele CA400868267.

ClinVar aggregate classification (germline): Uncertain significance (1 of 4 stars; one submission).

Conditions:
Camptomelic dysplasia (CMPD). Also called: CMPD1/SRA1; Campomelic Dysplasia. Identifiers: Orphanet 140, MedGen C1861922, MONDO:0007251, OMIM 114290.

Submission:

Labcorp Genetics (formerly Invitae), Labcorp
Classification: Uncertain significance for Camptomelic dysplasia. Last evaluated: 2021-11-05. Review status: criteria provided, single submitter. Criteria: Invitae Variant Classification Sherloc (09022015). Collection method: clinical testing. Allele origin: germline.
Comment: This variant disrupts the C-terminus of the SOX9 protein. Other variant(s) that disrupt this region (p.Gln458Argfs*12) have been observed in individuals with SOX9-related conditions (PMID: 21218044). This suggests that this may be a clinically significant region of the protein. In summary, the available evidence is currently insufficient to determine the role of this variant in disease. Therefore, it has been classified as a Variant of Uncertain Significance. This variant has not been reported in the literature in individuals affected with SOX9-related conditions. This variant is not present in population databases (gnomAD no frequency). This sequence change creates a premature translational stop signal (p.Tyr451*) in the SOX9 gene. While this is not anticipated to result in nonsense mediated decay, it is expected to disrupt the last 59 amino acid(s) of the SOX9 protein.

Literature cited by the submitters: PubMed 21218044.